The following is an entry in ClinVar:

ClinVar aggregate classification (germline): Uncertain significance. Review status: criteria provided, multiple submitters, no conflicts (2 of 4 stars). 2 submissions from 2 submitters: Uncertain significance (2). Last evaluated 2026-08-01.

Conditions:
Cardiovascular phenotype. Identifiers: MedGen CN230736.

Allele frequency attached by ClinVar (database versions not stated): gnomAD 0.00001; TOPMed 0.00001; gnomAD exomes 0.00002; ExAC 0.00006.
gnomAD v4.1: 27 of 1,612,076 alleles (0.0017%); highest among the groups gnomAD compares: South Asian, 0.0044%; no homozygotes.

Submissions (2):

CeGaT Center for Human Genetics Tuebingen
Classification: Uncertain significance. Last evaluated: 2026-08-01. Review status: criteria provided, single submitter. Criteria: CeGaT Center For Human Genetics Tuebingen Variant Classification Criteria Version 2. Collection method: clinical testing. Allele origin: germline. Affected: yes. Observed: 1 variant allele.

Ambry Genetics
Classification: Uncertain significance for Cardiovascular phenotype. Last evaluated: 2018-08-02. Review status: criteria provided, single submitter. Criteria: Ambry Variant Classification Scheme 2023. Collection method: clinical testing. Allele origin: germline.
Comment: The p.G21583S variant (also known as c.64747G>A), located in coding exon 165 of the TTN gene, results from a G to A substitution at nucleotide position 64747. The glycine at codon 21583 is replaced by serine, an amino acid with similar properties. This amino acid position is highly conserved in available vertebrate species. In addition, the in silico prediction for this alteration is inconclusive. Since supporting evidence is limited at this time, the clinical significance of this alteration remains unclear.

NM_001267550.2(TTN):c.91942G>A (p.Gly30648Ser)

Genes: TTN (titin; minus strand), TTN-AS1 (TTN antisense RNA 1; plus strand). Cytogenetic location: 2q31.2.
Variant type: single nucleotide variant.
Coding change: c.91942G>A on transcript NM_001267550.2 (MANE Select); coding-DNA position 91942, G replaced by A.
Protein change: p.Gly30648Ser; replaces glycine 30648 with serine.
Molecular consequence: missense variant.
Genome position (GRCh38, 1-based): chr2:178,549,780, C>T on the plus strand (G>A on the coding strand, the complement: TTN is on the minus strand). VCF-style: chr2-178549780-C-T. GRCh37 (hg19) VCF-style: chr2-179414507-C-T.
Other names: c.87019G>A, p.Gly29007Ser (NM_001256850.1); c.64747G>A, p.Gly21583Ser (NM_003319.4); c.84238G>A, p.Gly28080Ser (NM_133378.4); c.65122G>A, p.Gly21708Ser (NM_133432.3); c.65323G>A, p.Gly21775Ser (NM_133437.4); short protein forms G21583S, G21775S, G28080S, G30648S, G29007S, G21708S.
Identifiers: ClinVar variation 1753723 (VCV001753723.3), dbSNP rs776885297, ClinGen allele CA1987528.